The following is an entry in ClinVar:

NM_001368397.1(FRMPD4):c.2917G>C (p.Ala973Pro)

Gene: FRMPD4 (FERM and PDZ domain containing 4; plus strand). Cytogenetic location: Xp22.2.
Variant type: single nucleotide variant.
Coding change: c.2917G>C on transcript NM_001368397.1 (MANE Select); coding-DNA position 2917, G replaced by C.
Protein change: p.Ala973Pro; replaces alanine 973 with proline.
Molecular consequence: missense variant.
Genome position (GRCh38, 1-based): chrX:12,717,743, G>C. VCF-style: chrX-12717743-G-C. GRCh37 (hg19) VCF-style: chrX-12735862-G-C.
Other names: c.3028G>C, p.Ala1010Pro (NM_001368395.3, NM_001368398.3); c.2923G>C, p.Ala975Pro (NM_001368396.3); c.2908G>C, p.Ala970Pro (NM_001368399.3); c.2797G>C, p.Ala933Pro (NM_001368400.3); c.2893G>C, p.Ala965Pro (NM_001368401.1, NM_001368402.3); c.2917G>C, p.Ala973Pro (NM_014728.3); short protein forms A1010P, A933P, A965P, A970P, A973P, A975P.
Identifiers: ClinVar variation 1342428 (VCV001342428.27), dbSNP rs200249861, ClinGen allele CA10349538.

ClinVar aggregate classification (germline): Conflicting classifications of pathogenicity. Review status: criteria provided, conflicting classifications (1 of 4 stars). 4 submissions from 4 submitters: Uncertain significance (3); Likely benign (1). Last evaluated 2026-06-19.

Conditions:
Intellectual developmental disorder, X-linked 104. Also called: Intellectual disability, X-linked 104. Identifiers: MedGen C4310817, MONDO:0010509, OMIM 300983.

Allele frequency attached by ClinVar (database versions not stated): gnomAD 0.00001 and 0.00003; TOPMed 0.00001; gnomAD exomes 0.00005.
gnomAD v4.1: 66 of 1,210,441 alleles (0.0055%); highest among the groups gnomAD compares: Middle Eastern, 0.32%; no homozygotes.

Submissions (4):

Women's Health and Genetics/Laboratory Corporation of America, LabCorp
Classification: Uncertain significance. Last evaluated: 2026-06-19. Review status: criteria provided, single submitter. Criteria: LabCorp Variant Classification Summary - May 2015. Collection method: clinical testing. Allele origin: germline.
Comment: Variant summary: FRMPD4 c.2917G>C (p.Ala973Pro) results in a non-conservative amino acid change in the encoded protein sequence. Algorithms developed to predict the effect of missense changes on protein structure and function are either unavailable or do not agree on the potential impact of this missense change. The variant allele was found at a frequency of 4.9e-05 in 183086 control chromosomes. The available data on variant occurrences in the general population are insufficient to allow any conclusion about variant significance. To our knowledge, no occurrence of c.2917G>C in individuals affected with FRMPD4-related conditions and no experimental evidence demonstrating its impact on protein function have been reported. ClinVar contains an entry for this variant (Variation ID: 1342428). Based on the evidence outlined above, the variant was classified as uncertain significance.

CeGaT Center for Human Genetics Tuebingen
Classification: Likely benign. Last evaluated: 2026-03-01. Review status: criteria provided, single submitter. Criteria: CeGaT Center For Human Genetics Tuebingen Variant Classification Criteria Version 2. Collection method: clinical testing. Allele origin: germline. Affected: yes. Observed: 3 variant alleles.
Comment: FRMPD4: BP4, BS2

New York Genome Center
Classification: Uncertain significance for Intellectual developmental disorder, X-linked 104. Last evaluated: 2021-02-19. Review status: criteria provided, single submitter. Criteria: NYGC Assertion Criteria 2020. Collection method: clinical testing. Allele origin: inherited. Observed: 1 heterozygote. Study: CSER-NYCKidSeq.

Breakthrough Genomics
Classification: Uncertain significance. Review status: criteria provided, single submitter. Criteria: ACMG Guidelines, 2015. Collection method: not provided. Allele origin: germline. Inheritance: X-linked inheritance. Affected: yes.